The following is an entry in ClinVar:

ClinVar aggregate classification (germline): Pathogenic/Likely pathogenic. Review status: criteria provided, multiple submitters, no conflicts (2 of 4 stars). 13 submissions from 13 submitters: Pathogenic (4); Likely pathogenic (8). 1 of the submissions does not count toward it. Last evaluated 2026-05-06.

Conditions:
Mitochondrial complex I deficiency. Also called: NADH:Q(1) OXIDOREDUCTASE DEFICIENCY. Identifiers: Orphanet 2609, MedGen C1838979, MeSH C537475, MONDO:0100133.
NDUFAF5-related disorders.
Mitochondrial complex I deficiency, nuclear type 16. Also called: Mitochondrial complex 1 deficiency, nuclear type 16. Identifiers: MedGen C4748785, MONDO:0032621, OMIM 618238.
Mitochondrial complex I deficiency, nuclear type 1. Also called: NADH-COENZYME Q REDUCTASE DEFICIENCY; MITOCHONDRIAL NADH DEHYDROGENASE COMPONENT OF COMPLEX I, DEFICIENCY OF. Identifiers: MedGen C6022305, MONDO:0100224, OMIM 252010.
NDUFAF5-related disorder. Also called: NDUFAF5-related condition.
Inborn genetic diseases. Identifiers: MedGen C0950123, MeSH D030342.
Leigh syndrome (NULS). Also called: Leigh's necrotizing encephalopathy; Leigh's disease; Leigh's syndrome; Leigh Syndrome (mtDNA deletion); Leigh Disease; LEIGH SYNDROME, NUCLEAR. Identifiers: Orphanet 506, MedGen C2931891, MONDO:0009723, OMIM 256000.

Allele frequency attached by ClinVar (database versions not stated): ESP Exome Variant Server 0.00069; gnomAD exomes 0.00051 and 0.00045; gnomAD 0.00028; TOPMed 0.00036; ExAC 0.00055.
gnomAD v4.1: 752 of 1,593,234 alleles (0.047%); highest among the groups gnomAD compares: Non-Finnish European, 0.059%; no homozygotes.

Submissions (15):

PreventionGenetics, part of Exact Sciences
Classification: Likely pathogenic for NDUFAF5-related condition. Last evaluated: 2026-05-06. Review status: criteria provided, single submitter. Criteria: ACMG Guidelines, 2015. Collection method: clinical testing. Allele origin: germline.
Comment: The NDUFAF5 c.327G>C variant is predicted to result in the amino acid substitution p.Lys109Asn. This variant occurs within the last amino acid residue of exon 3 and predicted to disrupt the canonical splice donor site at the exon 3 – intron 3 boundary based on an in silico splicing algorithm (SpliceAI, Jaganathan K, et al. 2019. PubMed ID: 30661751). This variant has been reported in the compound heterozygous state in two individuals with lactic acidosis and classic Leigh syndrome (Simon et al 2019. PubMed ID: 30473481). Simon et al. also performed functional studies and showed that the c.327G>C variant led to aberrant splicing and skipping of exon 3 causing a decrease in NDUFAF5 mRNA and protein levels. This variant is reported in 0.24% of alleles in individuals of Ashkenazi Jewish descent in gnomAD, and it is consistently interpreted as pathogenic/likely pathogenic in the ClinVar database (Variation ID: 265061). Based on this evidence, we interpret this variant as likely pathogenic.

Labcorp Genetics (formerly Invitae), Labcorp
Classification: Likely pathogenic. Last evaluated: 2026-01-26. Review status: criteria provided, single submitter. Criteria: Invitae Variant Classification Sherloc (09022015). Collection method: clinical testing. Allele origin: germline.
Comment: This sequence change replaces lysine, which is basic and polar, with asparagine, which is neutral and polar, at codon 109 of the NDUFAF5 protein (p.Lys109Asn). This variant is present in population databases (rs150613320, gnomAD 0.2%). This missense change has been observed in individual(s) with Leigh syndrome (PMID: 30473481). In at least one individual the data is consistent with being in trans (on the opposite chromosome) from a pathogenic variant. ClinVar contains an entry for this variant (Variation ID: 265061). Invitae Evidence Modeling of protein sequence and biophysical properties (such as structural, functional, and spatial information, amino acid conservation, physicochemical variation, residue mobility, and thermodynamic stability) has been performed for this missense variant. However, the output from this modeling did not meet the statistical confidence thresholds required to predict the impact of this variant on NDUFAF5 protein function. Experimental studies have shown that this missense change affects NDUFAF5 function (PMID: 30473481). Algorithms developed to predict the effect of sequence changes on RNA splicing suggest that this variant may disrupt the consensus splice site. In summary, the currently available evidence indicates that the variant is pathogenic, but additional data are needed to prove that conclusively. Therefore, this variant has been classified as Likely Pathogenic.

Natera, Inc.
Classification: Pathogenic for Mitochondrial complex I deficiency. Last evaluated: 2025-10-13. Review status: criteria provided, single submitter. Criteria: Natera Variant Classification Schema (03/2026). Collection method: clinical testing. Allele origin: germline.
Comment: The c.327G>C variant in NDUFAF5 is a missense variant predicted to cause substitution of lysine to asparagine at amino acid 109. This variant is rare in the general population with a frequency below the threshold expected for the associated phenotype(s). This variant has been observed in one or more individuals affected with the associated recessive disease, as either homozygous or compound heterozygous with a second variant (PMID: 30473481, 37718619). Functional studies show that this variant may disrupt protein function (PMID: 30473481). Given the available evidence, this variant is classified as Pathogenic.

Women's Health and Genetics/Laboratory Corporation of America, LabCorp
Classification: Pathogenic for Leigh syndrome. Last evaluated: 2025-08-06. Review status: criteria provided, single submitter. Criteria: LabCorp Variant Classification Summary - May 2015. Collection method: clinical testing. Allele origin: germline.
Comment: Variant summary: NDUFAF5 c.327G>C (p.Lys109Asn) results in a non-conservative amino acid change located in the Methyltransferase type 11 domain (IPR013216) of the encoded protein sequence. Algorithms developed to predict the effect of missense changes on protein structure and function all suggest that this variant is likely to be disruptive. Several computational tools predict a significant impact on normal splicing: Three predict the variant abolishes a 5' splicing donor site. At least one publication reports experimental evidence that this variant affects mRNA splicing ((Simon_2018). The variant allele was found at a frequency of 0.00045 in 251124 control chromosomes. This frequency is not significantly higher than estimated for a pathogenic variant in NDUFAF5 causing Leigh Syndrome (0.00045 vs 0.00056), allowing no conclusion about variant significance. c.327G>C has been observed in multiple individuals affected with Leigh Syndrome (Heimer_2016, Simon_2018, Verma_2024, Brabbing-Goldstein_2024). These data indicate that the variant is very likely to be associated with disease. The following publications have been ascertained in the context of this evaluation (PMID: 37718619, 30581749, 27817865, 34797029, 30473481, 37688338). ClinVar contains an entry for this variant (Variation ID: 265061). Based on the evidence outlined above, the variant was classified as pathogenic.

GeneDx
Classification: Pathogenic. Last evaluated: 2025-07-29. Review status: criteria provided, single submitter. Criteria: GeneDx Variant Classification Process June 2021. Collection method: clinical testing. Allele origin: germline. Affected: yes.
Comment: RNA studies demonstrate a damaging effect of aberrant splicing by skipping exon 3 (PMID: 30473481); In silico analysis indicates that this missense variant does not alter protein structure/function; This variant is associated with the following publications: (PMID: 30581749, 27817865, 34177781, 29261183, 33586140, 34858319, 39323625, 34964562, 37718619, 30473481)

Blueprint Genetics
Classification: Likely pathogenic for NDUFAF5-related disorders. Last evaluated: 2024-11-15. Review status: criteria provided, single submitter. Criteria: ACMG Guidelines, 2015. Collection method: clinical testing. Allele origin: germline. Affected: yes. Observed: 5 variant alleles.

Baylor Genetics
Classification: Likely pathogenic for Mitochondrial complex I deficiency, nuclear type 16. Last evaluated: 2024-03-26. Review status: criteria provided, single submitter. Criteria: ACMG Guidelines, 2015. Collection method: clinical testing. Allele origin: unknown.

Fulgent Genetics
Classification: Pathogenic for Mitochondrial complex I deficiency, nuclear type 16. Last evaluated: 2024-01-02. Review status: criteria provided, single submitter. Criteria: ACMG Guidelines, 2015. Collection method: clinical testing. Allele origin: germline.

CeGaT Center for Human Genetics Tuebingen
Classification: Likely pathogenic. Last evaluated: 2023-11-01. Review status: criteria provided, single submitter. Criteria: CeGaT Center For Human Genetics Tuebingen Variant Classification Criteria Version 2. Collection method: clinical testing. Allele origin: germline. Affected: yes. Observed: 1 variant allele.

Revvity Omics, Revvity
Classification: Likely pathogenic for Mitochondrial complex I deficiency, nuclear type 16. Last evaluated: 2022-11-21. Review status: criteria provided, single submitter. Criteria: ACMG Guidelines, 2015. Collection method: clinical testing. Allele origin: germline.

Department of Pathology and Laboratory Medicine, Sinai Health System
Classification: Likely pathogenic for Mitochondrial complex I deficiency, nuclear type 16. Last evaluated: 2020-07-14. Review status: criteria provided, single submitter. Criteria: ACMG Guidelines, 2015. Collection method: research. Allele origin: germline.

Ambry Genetics
Classification: Likely pathogenic for Inborn genetic diseases. Last evaluated: 2018-03-27. Review status: criteria provided, single submitter. Criteria: Ambry exome assertion method (8-5-2015). Collection method: clinical testing. Allele origin: germline. Affected: yes. Observed: 1 variant allele.

OMIM
Classification: Pathogenic for MITOCHONDRIAL COMPLEX I DEFICIENCY, NUCLEAR TYPE 16. Last evaluated: 2021-06-07. Review status: no assertion criteria provided. Collection method: literature only. Allele origin: germline. Not counted in ClinVar's aggregate classification.

Dr. Peter K. Rogan Lab, Western University
No classification provided (evidence only). Condition: Sarcoma. Review status: no classification provided. Collection method: in vitro. Allele origin: not applicable. Functional consequence: skipped exon. Not counted in ClinVar's aggregate classification.

Dr. Peter K. Rogan Lab, Western University
No classification provided (evidence only). Condition: Uterine carcinosarcoma. Review status: no classification provided. Collection method: in vitro. Allele origin: not applicable. Functional consequence: skipped exon, retained intron. Not counted in ClinVar's aggregate classification.

Literature cited by the submitters: PubMed 30473481 (cited by 5 submitters); PubMed 37718619 (cited by Natera, Inc. and Women's Health and Genetics/Laboratory Corporation of America, LabCorp); PubMed 34797029 (cited by Women's Health and Genetics/Laboratory Corporation of America, LabCorp); PubMed 37688338 (cited by Women's Health and Genetics/Laboratory Corporation of America, LabCorp); PubMed 30581749 (cited by Women's Health and Genetics/Laboratory Corporation of America, LabCorp); PubMed 27817865 (cited by Women's Health and Genetics/Laboratory Corporation of America, LabCorp); PubMed 29261183 (cited by Ambry Genetics).

NM_024120.5(NDUFAF5):c.327G>C (p.Lys109Asn)

Gene: NDUFAF5 (NADH:ubiquinone oxidoreductase complex assembly factor 5; plus strand). Cytogenetic location: 20p12.1.
Variant type: single nucleotide variant.
Coding change: c.327G>C on transcript NM_024120.5 (MANE Select); coding-DNA position 327, G replaced by C.
Protein change: p.Lys109Asn; replaces lysine 109 with asparagine.
Molecular consequence: missense variant. On other transcripts: 5 prime UTR variant (3), non-coding transcript variant (7).
Genome position (GRCh38, 1-based): chr20:13,788,652, G>C. VCF-style: chr20-13788652-G-C. GRCh37 (hg19) VCF-style: chr20-13769298-G-C.
Other names: p.(Lys109Asn); c.327G>C, p.Lys109Asn (NM_001039375.3, NM_001352408.2); c.-41G>C (NM_001352403.2); c.-255G>C (NM_001352406.2); c.-235G>C (NM_001352407.2); short protein forms K109N.
Identifiers: ClinVar variation 265061 (VCV000265061.72), dbSNP rs150613320, ClinGen allele CA9767701.